The following is an entry in ClinVar:

ClinVar aggregate classification (germline): Uncertain significance (1 of 4 stars; one submission).

Conditions:
Ataxia-telangiectasia syndrome (AT). Also called: Ataxia-telangiectasia, complementation group E; Ataxia telangiectasia (A-T); LOUIS-BAR SYNDROME; ATAXIA-TELANGIECTASIA, COMPLEMENTATION GROUP A; ATAXIA-TELANGIECTASIA, FRESNO VARIANT; Ataxia-telangiectasia, complementation group D. Identifiers: Orphanet 100, MedGen C0004135, MONDO:0008840, OMIM 208900.

Allele frequency attached by ClinVar (database versions not stated): gnomAD exomes below 0.00001; ExAC 0.00001.
gnomAD v4.1: 1 of 1,609,716 alleles (0.000062%); highest among the groups gnomAD compares: South Asian, 0.0011%; no homozygotes.

Submission:

Labcorp Genetics (formerly Invitae), Labcorp
Classification: Uncertain significance for Ataxia-telangiectasia syndrome. Last evaluated: 2022-11-10. Review status: criteria provided, single submitter. Criteria: Invitae Variant Classification Sherloc (09022015). Collection method: clinical testing. Allele origin: germline.
Comment: This sequence change replaces serine, which is neutral and polar, with proline, which is neutral and non-polar, at codon 719 of the ATM protein (p.Ser719Pro). This variant is present in population databases (rs748884220, gnomAD 0.003%). This variant has not been reported in the literature in individuals affected with ATM-related conditions. Algorithms developed to predict the effect of missense changes on protein structure and function are either unavailable or do not agree on the potential impact of this missense change (SIFT: "Tolerated"; PolyPhen-2: "Possibly Damaging"; Align-GVGD: "Class C0"). In summary, the available evidence is currently insufficient to determine the role of this variant in disease. Therefore, it has been classified as a Variant of Uncertain Significance.

NM_000051.4(ATM):c.2155T>C (p.Ser719Pro)

Gene: ATM (ATM serine/threonine kinase; plus strand). Cytogenetic location: 11q22.3.
Variant type: single nucleotide variant.
Coding change: c.2155T>C on transcript NM_000051.4 (MANE Select); coding-DNA position 2155, T replaced by C.
Protein change: p.Ser719Pro; replaces serine 719 with proline.
Molecular consequence: missense variant.
Genome position (GRCh38, 1-based): chr11:108,256,245, T>C. VCF-style: chr11-108256245-T-C. GRCh37 (hg19) VCF-style: chr11-108126972-T-C.
Other names: c.2155T>C, p.Ser719Pro (NM_001351834.2); short protein forms S719P.
Identifiers: ClinVar variation 2874927 (VCV002874927.3), dbSNP rs748884220, ClinGen allele CA6264958.